The following is an entry in ClinVar:

ClinVar aggregate classification (germline): Likely pathogenic (1 of 4 stars; one submission).

Conditions:
TYK2-related disorder. Also called: TYK2-related condition.

Submission:

PreventionGenetics, part of Exact Sciences
Classification: Likely pathogenic for TYK2-related condition. Last evaluated: 2025-09-29. Review status: criteria provided, single submitter. Criteria: ACMG Guidelines, 2015. Collection method: clinical testing. Allele origin: germline.
Comment: The TYK2 c.1968C>A variant is predicted to result in premature protein termination (p.Tyr656*). To our knowledge, this variant has not been reported in the literature or in a large population database (gnomAD), indicating this variant is rare. At the time of reporting this variant is absent in ClinVar. Nonsense variants in TYK2 are expected to be pathogenic. This variant is interpreted as likely pathogenic.

NM_003331.5(TYK2):c.1968C>A (p.Tyr656Ter)

Gene: TYK2 (tyrosine kinase 2; minus strand). Cytogenetic location: 19p13.2.
Variant type: single nucleotide variant.
Coding change: c.1968C>A on transcript NM_003331.5 (MANE Select); coding-DNA position 1968, C replaced by A.
Protein change: p.Tyr656Ter; replaces tyrosine 656 with a stop codon.
Molecular consequence: nonsense.
Genome position (GRCh38, 1-based): chr19:10,361,590, G>T on the plus strand (C>A on the coding strand, the complement: TYK2 is on the minus strand). VCF-style: chr19-10361590-G-T. GRCh37 (hg19) VCF-style: chr19-10472266-G-T.
Other names: c.1968C>A, p.Tyr656Ter (NM_001385197.1, NM_001385198.1, NM_001385200.1 and 3 more transcripts); c.1782C>A, p.Tyr594Ter (NM_001385199.1); c.1770C>A, p.Tyr590Ter (NM_001385201.1); c.1884C>A, p.Tyr628Ter (NM_001385202.1); c.1878C>A, p.Tyr626Ter (NM_001385205.1); c.1842C>A, p.Tyr614Ter (NM_001385206.1); c.1950C>A, p.Tyr650Ter (NM_001385207.1); short protein forms Y614*, Y650*, Y656*, Y590*, Y626*, Y628*, Y594*.
Identifiers: ClinVar variation 4991500 (VCV004991500.1).
Genomic context (GRCh38, chr19:10,361,590, plus strand): 5'-GACGCCATGCACGAAGGCCAGGTGCGTGTGGGAGACCTGGCTCATGAGGCTGGCTGTCTC[G>T]TAGAAGGCCTGTGGGGACCGGGCAGGTCAGGTGGCTGCAAAGCCGACCCCTCCCATCCCA-3'